The following is an entry in ClinVar:

ClinVar aggregate classification (germline): Conflicting classifications of pathogenicity. Review status: criteria provided, conflicting classifications (1 of 4 stars). 6 submissions from 6 submitters: Uncertain significance (5); Likely benign (1). Last evaluated 2025-09-23.

Conditions:
Hereditary cancer-predisposing syndrome. Also called: Neoplastic Syndromes, Hereditary; Tumor predisposition; Hereditary neoplastic syndrome; Hereditary Cancer Syndrome. Identifiers: Orphanet 140162, MedGen C0027672, MeSH D009386, MONDO:0015356.
Neuroblastoma (NB). Identifiers: Orphanet 635, MedGen C0027819, MeSH D009447, MONDO:0005072, HP:0003006.
Gorlin syndrome. Also called: Basal cell nevus syndrome; Nevoid Basal Cell Carcinoma Syndrome. Identifiers: Orphanet 377, MedGen C0004779, MONDO:0007187.
PTCH1-related disorder. Also called: PTCH1-related disorders; PTCH1-related condition.

Allele frequency attached by ClinVar (database versions not stated): TOPMed 0.00003; ExAC below 0.00001; gnomAD 0.00003.
gnomAD v4.1: 4 of 1,407,282 alleles (0.00028%); highest among the groups gnomAD compares: African/African-American, 0.0061%; no homozygotes.

Submissions (6):

Labcorp Genetics (formerly Invitae), Labcorp
Classification: Uncertain significance for Gorlin syndrome. Last evaluated: 2025-09-23. Review status: criteria provided, single submitter. Criteria: Invitae Variant Classification Sherloc (09022015). Collection method: clinical testing. Allele origin: germline.
Comment: This sequence change replaces glycine, which is neutral and non-polar, with serine, which is neutral and polar, at codon 19 of the PTCH1 protein (p.Gly19Ser). This variant is not present in population databases (gnomAD no frequency). This variant has not been reported in the literature in individuals affected with PTCH1-related conditions. ClinVar contains an entry for this variant (Variation ID: 620611). Invitae Evidence Modeling of protein sequence and biophysical properties (such as structural, functional, and spatial information, amino acid conservation, physicochemical variation, residue mobility, and thermodynamic stability) indicates that this missense variant is not expected to disrupt PTCH1 protein function with a negative predictive value of 95%. In summary, the available evidence is currently insufficient to determine the role of this variant in disease. Therefore, it has been classified as a Variant of Uncertain Significance.

PreventionGenetics, part of Exact Sciences
Classification: Uncertain significance for PTCH1-related condition. Last evaluated: 2025-08-22. Review status: criteria provided, single submitter. Criteria: ACMG Guidelines, 2015. Collection method: clinical testing. Allele origin: germline.
Comment: The PTCH1 c.55G>A variant is predicted to result in the amino acid substitution p.Gly19Ser. To our knowledge, this variant has not been reported in the literature or population database gnomAD, indicating that this variant is rare. At this time, the clinical significance of this variant is uncertain due to the absence of conclusive functional and genetic evidence.

Ambry Genetics
Classification: Uncertain significance for Hereditary cancer-predisposing syndrome. Last evaluated: 2025-03-19. Review status: criteria provided, single submitter. Criteria: Ambry Variant Classification Scheme 2023. Collection method: clinical testing. Allele origin: germline.
Comment: The p.G19S variant (also known as c.55G>A), located in coding exon 1 of the PTCH1 gene, results from a G to A substitution at nucleotide position 55. The glycine at codon 19 is replaced by serine, an amino acid with similar properties. This amino acid position is not well conserved in available vertebrate species, and serine is the reference amino acid in other vertebrate species. In addition, this alteration is predicted to be tolerated by in silico analysis. Since supporting evidence is limited at this time, the clinical significance of this alteration remains unclear.

Sema4
Classification: Uncertain significance for Hereditary cancer-predisposing syndrome. Last evaluated: 2021-12-21. Review status: criteria provided, single submitter. Criteria: Sema4 Curation Guidelines. Collection method: curation. Allele origin: germline.
Comment: The PTCH1 c.55G>A (p.G19S) variant has not been reported in the literature to our knowledge. It was not observed in the large and broad cohorts of the Genome Aggregation Database (PMID: 32461654). The variant has been reported in ClinVar (Variation ID: 620611). Functional studies have not been performed, and in silico predictions of the variant's effect on protein function are inconclusive. The evidence is insufficient to meet ACMG/AMP criteria for classifying the variant as benign or pathogenic. Thus, the clinical significance of this variant is currently uncertain.

GeneDx
Classification: Likely benign. Last evaluated: 2018-05-23. Review status: criteria provided, single submitter. Criteria: GeneDx Variant Classification (06012015). Collection method: clinical testing. Allele origin: germline. Affected: yes.
Comment: This variant is considered likely benign or benign based on one or more of the following criteria: it is a conservative change, it occurs at a poorly conserved position in the protein, it is predicted to be benign by multiple in silico algorithms, and/or has population frequency not consistent with disease.

St. Jude Molecular Pathology, St. Jude Children's Research Hospital
Classification: Uncertain significance for Neuroblastoma. Last evaluated: 2016-07-22. Review status: criteria provided, single submitter. Criteria: ACMG Guidelines, 2015. Collection method: clinical testing. Allele origin: germline. Affected: yes.

NM_000264.5(PTCH1):c.55G>A (p.Gly19Ser)

Genes: PTCH1 (patched 1; minus strand), LOC130002133 (ATAC-STARR-seq lymphoblastoid silent region 20071; plus strand). Cytogenetic location: 9q22.32.
Variant type: single nucleotide variant.
Coding change: c.55G>A on transcript NM_000264.5 (MANE Select); coding-DNA position 55, G replaced by A.
Protein change: p.Gly19Ser; replaces glycine 19 with serine.
Molecular consequence: missense variant. On other transcripts: non-coding transcript variant (1), intron variant (3).
Genome position (GRCh38, 1-based): chr9:95,508,307, C>T on the plus strand (G>A on the coding strand, the complement: PTCH1 is on the minus strand). VCF-style: chr9-95508307-C-T. GRCh37 (hg19) VCF-style: chr9-98270589-C-T.
Other names: c.55G>A, p.Gly19Ser (NM_001354918.2); c.199-1708G>A (NM_001083603.3); c.4-1708G>A (NM_001083602.3, NM_001354919.2); short protein forms G19S.
Identifiers: ClinVar variation 620611 (VCV000620611.18), dbSNP rs778460384, ClinGen allele CA5139065.